The following is an entry in ClinVar:

NM_001189.4(NKX3-2):c.929C>A (p.Ser310Tyr)

Gene: NKX3-2 (NK3 homeobox 2; minus strand). Cytogenetic location: 4p15.33.
Variant type: single nucleotide variant.
Coding change: c.929C>A on transcript NM_001189.4 (MANE Select); coding-DNA position 929, C replaced by A.
Protein change: p.Ser310Tyr; replaces serine 310 with tyrosine.
Molecular consequence: missense variant.
Genome position (GRCh38, 1-based): chr4:13,542,066, G>T on the plus strand (C>A on the coding strand, the complement: NKX3-2 is on the minus strand). VCF-style: chr4-13542066-G-T. GRCh37 (hg19) VCF-style: chr4-13543690-G-T.
Other names: c.929C>A (NM_001189.3); short protein forms S310Y.
Identifiers: ClinVar variation 1411460 (VCV001411460.5), dbSNP rs771961191, ClinGen allele CA2860288.

ClinVar aggregate classification (germline): Uncertain significance. Review status: criteria provided, multiple submitters, no conflicts (2 of 4 stars). 2 submissions from 2 submitters: Uncertain significance (2). Last evaluated 2025-08-04.

Conditions:
Inborn genetic diseases. Identifiers: MedGen C0950123, MeSH D030342.

Allele frequency attached by ClinVar (database versions not stated): gnomAD 0.00001; TOPMed 0.00002; 1000 Genomes Project 30x 0.00031.
gnomAD v4.1: 18 of 1,607,820 alleles (0.0011%); highest among the groups gnomAD compares: Admixed American, 0.029%; no homozygotes.

Submissions (2):

Ambry Genetics
Classification: Uncertain significance for Inborn genetic diseases. Last evaluated: 2025-08-04. Review status: criteria provided, single submitter. Criteria: Ambry Variant Classification Scheme 2023. Collection method: clinical testing. Allele origin: germline.

Labcorp Genetics (formerly Invitae), Labcorp
Classification: Uncertain significance. Last evaluated: 2022-07-29. Review status: criteria provided, single submitter. Criteria: Invitae Variant Classification Sherloc (09022015). Collection method: clinical testing. Allele origin: germline.
Comment: This sequence change replaces serine, which is neutral and polar, with tyrosine, which is neutral and polar, at codon 310 of the NKX3-2 protein (p.Ser310Tyr). This variant is present in population databases (rs771961191, gnomAD 0.05%). This variant has not been reported in the literature in individuals affected with NKX3-2-related conditions. ClinVar contains an entry for this variant (Variation ID: 1411460). Algorithms developed to predict the effect of missense changes on protein structure and function (SIFT, PolyPhen-2, Align-GVGD) all suggest that this variant is likely to be disruptive. In summary, the available evidence is currently insufficient to determine the role of this variant in disease. Therefore, it has been classified as a Variant of Uncertain Significance.